The following is an entry in ClinVar:

NM_014915.3(ANKRD26):c.*1433A>G

Gene: ANKRD26 (ankyrin repeat domain 26; minus strand). Cytogenetic location: 10p12.1.
Variant type: single nucleotide variant.
Coding change: c.*1433A>G on transcript NM_014915.3 (MANE Select); 1433 bases downstream of the stop codon, A replaced by G.
Molecular consequence: 3 prime UTR variant.
Genome position (GRCh38, 1-based): chr10:27,004,157, T>C on the plus strand (A>G on the coding strand, the complement: ANKRD26 is on the minus strand). VCF-style: chr10-27004157-T-C. GRCh37 (hg19) VCF-style: chr10-27293086-T-C.
Other names: c.*1433A>G (NM_001256053.2).
Identifiers: ClinVar variation 299709 (VCV000299709.5), dbSNP rs12570065, ClinGen allele CA10635244.

ClinVar aggregate classification (germline): Benign (1 of 4 stars; one submission).

Conditions:
Thrombocytopenia 2 (THC2). Also called: ANKRD26-Related Thrombocytopenia. Identifiers: Orphanet 268322, MedGen C1861185, MONDO:0008555, OMIM 188000.

Allele frequency attached by ClinVar (database versions not stated): gnomAD 0.01312 and 0.01897; TOPMed 0.01357; 1000 Genomes Project 30x 0.06277; 1000 Genomes Project 0.06949.

Submission:

Illumina Laboratory Services, Illumina
Classification: Benign for Thrombocytopenia 2. Last evaluated: 2018-01-12. Review status: criteria provided, single submitter. Criteria: ICSL Variant Classification Criteria 13 December 2019. Collection method: clinical testing. Allele origin: germline.
Comment: This variant was observed in the ICSL laboratory as part of a predisposition screen in an ostensibly healthy population. It had not been previously curated by ICSL or reported in the Human Gene Mutation Database (HGMD: prior to June 1st, 2018), and was therefore a candidate for classification through an automated scoring system. Utilizing variant allele frequency, disease prevalence and penetrance estimates, and inheritance mode, an automated score was calculated to assess if this variant is too frequent to cause the disease. Based on the score and internal cut-off values, a variant classified as benign is not then subjected to further curation. The score for this variant resulted in a classification of benign for this disease.